The following is an entry in ClinVar:

NM_012062.5(DNM1L):c.1995-133G>A

Gene: DNM1L (dynamin 1 like; plus strand). Cytogenetic location: 12p11.21.
Variant type: single nucleotide variant.
Coding change: c.1995-133G>A on transcript NM_012062.5 (MANE Select); 133 bases into the intron before coding-DNA position 1995, G replaced by A.
Molecular consequence: intron variant.
Genome position (GRCh38, 1-based): chr12:32,742,456, G>A. VCF-style: chr12-32742456-G-A. GRCh37 (hg19) VCF-style: chr12-32895390-G-A.
Other names: c.2034-133G>A (NM_001278464.2); c.2001-133G>A (NM_001278465.2); c.1923-133G>A (NM_001330380.2); c.1386-133G>A (NM_001278466.2); c.1962-133G>A (NM_001278463.2); c.1917-133G>A (NM_012063.4); c.1884-133G>A (NM_005690.5).
Identifiers: ClinVar variation 675531 (VCV000675531.1), dbSNP rs114093530, ClinGen allele CA235207930.
Genomic context (GRCh38, chr12:32,742,456, plus strand): 5'-GCCTGGCCGAGAACTGCTTTTCTTAATGTTTAATTACAGTTAAGCAAAAATCTAAAGGGC[G>A]ATTATGCCATTAATGAAATATCCAAAGTAGTAGTGTTCTTACTTAACTTTATTTCATGAG-3'

ClinVar aggregate classification (germline): Likely benign (1 of 4 stars; one submission).

Allele frequency attached by ClinVar (database versions not stated): gnomAD exomes 0.00116; gnomAD 0.01215 and 0.01302; 1000 Genomes Project 0.01318; 1000 Genomes Project 30x 0.01343; TOPMed 0.01348.
gnomAD v4.1: 3,063 of 1,150,826 alleles (0.27%); highest among the groups gnomAD compares: African/African-American, 4.2%; 63 homozygotes.

Submission:

GeneDx
Classification: Likely benign. Last evaluated: 2018-06-14. Review status: criteria provided, single submitter. Criteria: GeneDx Variant Classification (06012015). Collection method: clinical testing. Allele origin: germline. Affected: yes.
Comment: This variant is considered likely benign or benign based on one or more of the following criteria: it is a conservative change, it occurs at a poorly conserved position in the protein, it is predicted to be benign by multiple in silico algorithms, and/or has population frequency not consistent with disease.